The following is an entry in ClinVar:

ClinVar aggregate classification (germline): Uncertain significance (1 of 4 stars; one submission).

Submission:

Women's Health and Genetics/Laboratory Corporation of America, LabCorp
Classification: Uncertain significance. Last evaluated: 2024-09-03. Review status: criteria provided, single submitter. Criteria: LabCorp Variant Classification Summary - May 2015. Collection method: clinical testing. Allele origin: germline.
Comment: Variant summary: DYNC2H1 c.8954T>G (p.Val2985Gly) results in a non-conservative amino acid change located in the Dynein heavy chain, coiled coil stalk domain (IPR024743) of the encoded protein sequence. Five of five in-silico tools predict a damaging effect of the variant on protein function. The variant was absent in 243382 control chromosomes. The available data on variant occurrences in the general population are insufficient to allow any conclusion about variant significance. c.8954T>G has been reported in the literature in at least one compound heterozygous individual affected with clinical features of short-rib thoracic dysplasia (e.g., Bai_2022). These data do not allow any conclusion about variant significance. To our knowledge, no experimental evidence demonstrating an impact on protein function has been reported. The following publication havs been ascertained in the context of this evaluation (PMID: 36352425). No submitters have cited clinical-significance assessments for this variant to ClinVar. Based on the evidence outlined above, the variant was classified as uncertain significance.

Literature cited by the submitters: PubMed 36352425.

NM_001377.3(DYNC2H1):c.8954T>G (p.Val2985Gly)

Gene: DYNC2H1 (dynein cytoplasmic 2 heavy chain 1; plus strand). Cytogenetic location: 11q22.3.
Variant type: single nucleotide variant.
Coding change: c.8954T>G on transcript NM_001377.3 (MANE Select); coding-DNA position 8954, T replaced by G.
Protein change: p.Val2985Gly; replaces valine 2985 with glycine.
Molecular consequence: missense variant.
Genome position (GRCh38, 1-based): chr11:103,220,630, T>G. VCF-style: chr11-103220630-T-G. GRCh37 (hg19) VCF-style: chr11-103091359-T-G.
Other names: c.8954T>G, p.Val2985Gly (NM_001080463.2); short protein forms V2985G.
Identifiers: ClinVar variation 3375123 (VCV003375123.1).